The following is an entry in ClinVar:

ClinVar aggregate classification (germline): Uncertain significance (1 of 4 stars; one submission).

gnomAD v4.1: 4 of 1,612,204 alleles (0.00025%); highest among the groups gnomAD compares: Non-Finnish European, 0.00034%; no homozygotes.

Submission:

GeneDx
Classification: Uncertain significance. Last evaluated: 2024-06-20. Review status: criteria provided, single submitter. Criteria: GeneDx Variant Classification Process June 2021. Collection method: clinical testing. Allele origin: germline. Affected: yes.
Comment: Not observed at significant frequency in large population cohorts (gnomAD); In silico analysis indicates that this missense variant does not alter protein structure/function; Has not been previously published as pathogenic or benign to our knowledge

NM_016333.4(SRRM2):c.7892C>T (p.Ser2631Phe)

Gene: SRRM2 (serine/arginine repetitive matrix 2; plus strand). Cytogenetic location: 16p13.3.
Variant type: single nucleotide variant.
Coding change: c.7892C>T on transcript NM_016333.4 (MANE Select); coding-DNA position 7892, C replaced by T.
Protein change: p.Ser2631Phe; replaces serine 2631 with phenylalanine.
Molecular consequence: missense variant.
Genome position (GRCh38, 1-based): chr16:2,769,155, C>T. VCF-style: chr16-2769155-C-T. GRCh37 (hg19) VCF-style: chr16-2819156-C-T.
Other names: short protein forms S2631F.
Identifiers: ClinVar variation 3391666 (VCV003391666.1).